The following is an entry in ClinVar:

ClinVar aggregate classification (germline): Uncertain significance (1 of 4 stars; one submission).

Conditions:
Developmental and epileptic encephalopathy, 27 (DEE27). Also called: Epileptic encephalopathy, early infantile, 27; GRIN2B-Related Neurodevelopmental Disorder. Identifiers: Orphanet 3451, MedGen C4015316, MONDO:0014505, OMIM 616139.

Submission:

3billion
Classification: Uncertain significance for Developmental and epileptic encephalopathy, 27. Last evaluated: 2025-02-14. Review status: criteria provided, single submitter. Criteria: ACMG Guidelines, 2015. Collection method: clinical testing. Allele origin: germline. Affected: yes.
Comment: The variant is not observed in the gnomAD v4.1.0 dataset. Predicted Consequence/Location: Missense variant In silico tool predictions suggest damaging effect of the variant on gene or gene product [3Cnet: 0.78 (>=0.6, sensitivity 0.72 and precision 0.9)]. Therefore, this variant is classified as VUS according to the recommendation of ACMG/AMP guideline.

NM_000834.5(GRIN2B):c.2364G>C (p.Glu788Asp)

Gene: GRIN2B (glutamate ionotropic receptor NMDA type subunit 2B; minus strand). Cytogenetic location: 12p13.1.
Variant type: single nucleotide variant.
Coding change: c.2364G>C on transcript NM_000834.5 (MANE Select); coding-DNA position 2364, G replaced by C.
Protein change: p.Glu788Asp; replaces glutamic acid 788 with aspartic acid.
Molecular consequence: missense variant.
Genome position (GRCh38, 1-based): chr12:13,567,259, C>G on the plus strand (G>C on the coding strand, the complement: GRIN2B is on the minus strand). VCF-style: chr12-13567259-C-G. GRCh37 (hg19) VCF-style: chr12-13720193-C-G.
Other names: c.2364G>C, p.Glu788Asp (NM_001413992.1); short protein forms E788D.
Identifiers: ClinVar variation 4291885 (VCV004291885.1).
Genomic context (GRCh38, chr12:13,567,259, plus strand): 5'-GACCTCATTCTTCTCATTGTGACAAATGCCAGTGAGCCAGAGAGCTTCCAGTTCTTCCAT[C>G]TCCCCTGGGGAAAGGACAGAGAAGGAAAATGGATAAAAAGAGGAGACAGGAAAGGAGCAG-3'
Protein context (NP_000825.2, residues 778-798): LAILQLFGDG[Glu788Asp]MEELEALWLT